The following is an entry in ClinVar:

ClinVar aggregate classification (germline): Likely pathogenic (1 of 4 stars; one submission).

Conditions:
Tay-Sachs disease (TSD). Also called: GM2 gangliosidosis, type 1; Hexosaminidase alpha-subunit deficiency (variant B); Sphingolipidosis, Tay-Sachs; Hexosaminidase A Deficiency; HEXA DEFICIENCY; HEXA Disorders. Identifiers: Orphanet 845, MedGen C0039373, MONDO:0010100, OMIM 272800.

Submission:

Myriad Genetics, Inc.
Classification: Likely pathogenic for Tay-Sachs disease. Last evaluated: 2022-03-15. Review status: criteria provided, single submitter. Criteria: Myriad Women's Health Autosomal Recessive and X-Linked Classification Criteria (2021). Collection method: clinical testing. Allele origin: unknown.
Comment: NM_000520.4(HEXA):c.822_823delGA(T275Sfs*7) is expected to be pathogenic in the context of hexosaminidase A deficiency. This variant is predicted to lead to an abnormal or absent protein product due to the creation of a premature termination codon in HEXA, a gene where loss-of-function variants are known to be pathogenic. Please note: this variant was assessed in the context of healthy population screening.

NM_000520.6(HEXA):c.822_823del (p.Thr275fs)

Gene: HEXA (hexosaminidase subunit alpha; minus strand). Cytogenetic location: 15q23.
Variant type: Deletion.
Coding change: c.822_823del on transcript NM_000520.6 (MANE Select); coding-DNA positions 822 to 823, 2 bases deleted (GA; older notation c.822_823delGA).
Protein change: p.Thr275fs; shifts the reading frame from threonine 275.
Molecular consequence: frameshift variant. On other transcripts: non-coding transcript variant (1).
Genome position (GRCh38, 1-based): chr15:72,349,242-72,349,243, TC deleted on the plus strand (GA on the coding strand, the reverse complement: HEXA is on the minus strand). VCF-style (leftmost placement, unchanged base first): chr15-72349241-GTC-G. GRCh37 (hg19) VCF-style: chr15-72641582-GTC-G.
Other names: c.855_856del, p.Thr286fs (NM_001318825.2); short protein forms T275fs, T286fs.
Identifiers: ClinVar variation 1725249 (VCV001725249.2), dbSNP rs2542523123, ClinGen allele CA2580089963.